The following is an entry in ClinVar:

NM_000075.4(CDK4):c.165T>G (p.Arg55=)

Genes: CDK4 (cyclin dependent kinase 4; minus strand), LOC130008148 (ATAC-STARR-seq lymphoblastoid silent region 4588; plus strand). Cytogenetic location: 12q14.1.
Variant type: single nucleotide variant.
Coding change: c.165T>G on transcript NM_000075.4 (MANE Select); coding-DNA position 165, T replaced by G.
Protein change: p.Arg55=; no amino-acid change (arginine 55 retained).
Molecular consequence: synonymous variant.
Genome position (GRCh38, 1-based): chr12:57,751,553, A>C on the plus strand (T>G on the coding strand, the complement: CDK4 is on the minus strand). VCF-style: chr12-57751553-A-C. GRCh37 (hg19) VCF-style: chr12-58145336-A-C.
Identifiers: ClinVar variation 819738 (VCV000819738.14), dbSNP rs1595111002, ClinGen allele CA480404845.

ClinVar aggregate classification (germline): Benign/Likely benign. Review status: criteria provided, multiple submitters, no conflicts (2 of 4 stars). 3 submissions from 3 submitters: Benign (1); Likely benign (2). Last evaluated 2025-09-23.

Conditions:
Hereditary cancer-predisposing syndrome. Also called: Neoplastic Syndromes, Hereditary; Tumor predisposition; Hereditary Cancer Syndrome; Hereditary neoplastic syndrome. Identifiers: Orphanet 140162, MedGen C0027672, MeSH D009386, MONDO:0015356.
Melanoma, cutaneous malignant, susceptibility to, 3. Also called: Cutaneous malignant melanoma 3. Identifiers: Orphanet 618, MedGen C1836892, MONDO:0012183, OMIM 609048.
Familial melanoma. Also called: Hereditary melanoma; Hereditary cutaneous melanoma. Identifiers: Orphanet 618, MedGen C1512419, MONDO:0018961.

Submissions (3):

Labcorp Genetics (formerly Invitae), Labcorp
Classification: Likely benign for Familial melanoma. Last evaluated: 2025-09-23. Review status: criteria provided, single submitter. Criteria: Invitae Variant Classification Sherloc (09022015). Collection method: clinical testing. Allele origin: germline.

Myriad Genetics, Inc.
Classification: Benign for Melanoma, cutaneous malignant, susceptibility to, 3. Last evaluated: 2024-09-24. Review status: criteria provided, single submitter. Criteria: Myriad Autosomal Dominant, Autosomal Recessive and X-Linked Classification Criteria (2023). Collection method: clinical testing. Allele origin: unknown.
Comment: This variant is considered benign. This variant is a silent/synonymous amino acid change and it is not expected to impact splicing.

Ambry Genetics
Classification: Likely benign for Hereditary cancer-predisposing syndrome. Last evaluated: 2019-01-22. Review status: criteria provided, single submitter. Criteria: Ambry Variant Classification Scheme 2023. Collection method: clinical testing. Allele origin: germline.